The following is an entry in ClinVar:

NM_030962.4(SBF2):c.4571-6C>A

Genes: SBF2 (SET binding factor 2; minus strand), SBF2-AS1 (SBF2 antisense RNA 1; plus strand), LOC105369149 (uncharacterized LOC105369149; plus strand). Cytogenetic location: 11p15.4.
Variant type: single nucleotide variant.
Coding change: c.4571-6C>A on transcript NM_030962.4 (MANE Select); 6 bases into the intron before coding-DNA position 4571, C replaced by A.
Molecular consequence: intron variant.
Genome position (GRCh38, 1-based): chr11:9,790,689, G>T on the plus strand (C>A on the coding strand, the complement: SBF2 is on the minus strand). VCF-style: chr11-9790689-G-T. GRCh37 (hg19) VCF-style: chr11-9812236-G-T.
Other names: NC_000011.9:g.9812236G>T; c.4442-6C>A (NM_001386342.1); c.4667-6C>A (NM_001386339.1).
Identifiers: ClinVar variation 1741575 (VCV001741575.3), dbSNP rs2645029, ClinGen allele CA217609483.
Genomic context (GRCh38, chr11:9,790,689, plus strand): 5'-CAAATACAGACTCCTTTTTTGGCATGCTTTTCTCCTTTATCATCAAATAAAGTTCCTGTA[G>T]ATTAAAAAAATCCAACAAAACAAAATTAAATAAATTCACACTTTGCCAAAAAACGTATGA-3'

ClinVar aggregate classification (germline): Uncertain significance (1 of 4 stars; one submission).

Conditions:
Inborn genetic diseases. Identifiers: MedGen C0950123, MeSH D030342.

gnomAD v4.1: 11 of 1,570,190 alleles (0.0007%); highest among the groups gnomAD compares: Non-Finnish European, 0.00096%; no homozygotes.

Submissions (2):

Ambry Genetics
Classification: Uncertain significance for Inborn genetic diseases. Last evaluated: 2021-07-29. Review status: criteria provided, single submitter. Criteria: Ambry Variant Classification Scheme 2023. Collection method: clinical testing. Allele origin: germline.
Comment: The c.4571-6C>A intronic variant results from a C to A substitution 6 nucleotides upstream from coding exon 34 in the SBF2 gene. This nucleotide position is not well conserved in available vertebrate species. In silico splice site analysis for this alteration is inconclusive. Since supporting evidence is limited at this time, the clinical significance of this alteration remains unclear.

Dr. Peter K. Rogan Lab, Western University
No classification provided (evidence only). Condition: Sarcoma. Review status: no classification provided. Collection method: in vitro. Allele origin: not applicable. Functional consequence: retained intron. Not counted in ClinVar's aggregate classification.